The following is an entry in ClinVar:

ClinVar aggregate classification (germline): Likely benign. Review status: criteria provided, multiple submitters, no conflicts (2 of 4 stars). 2 submissions from 2 submitters: Likely benign (2). Last evaluated 2024-06-28.

Allele frequency attached by ClinVar (database versions not stated): gnomAD exomes 0.00014; ExAC 0.00016; gnomAD 0.00054 and 0.00058; TOPMed 0.00054; 1000 Genomes Project 0.00080; 1000 Genomes Project 30x 0.00125.
gnomAD v4.1: 174 of 1,603,216 alleles (0.011%); highest among the groups gnomAD compares: African/African-American, 0.19%; 1 homozygote.

Submissions (2):

Blueprint Genetics
Classification: Likely benign. Last evaluated: 2024-06-28. Review status: criteria provided, single submitter. Criteria: ACMG Guidelines, 2015. Collection method: clinical testing. Allele origin: germline.

GeneDx
Classification: Likely benign. Last evaluated: 2017-06-02. Review status: criteria provided, single submitter. Criteria: GeneDx Variant Classification (06012015). Collection method: clinical testing. Allele origin: germline. Affected: yes.
Comment: This variant is considered likely benign or benign based on one or more of the following criteria: it is a conservative change, it occurs at a poorly conserved position in the protein, it is predicted to be benign by multiple in silico algorithms, and/or has population frequency not consistent with disease.

NM_000152.5(GAA):c.2040+19C>T

Gene: GAA (alpha glucosidase; plus strand). Cytogenetic location: 17q25.3.
Variant type: single nucleotide variant.
Coding change: c.2040+19C>T on transcript NM_000152.5 (MANE Select); 19 bases into the intron after coding-DNA position 2040, C replaced by T.
Molecular consequence: intron variant.
Genome position (GRCh38, 1-based): chr17:80,113,046, C>T. VCF-style: chr17-80113046-C-T. GRCh37 (hg19) VCF-style: chr17-78086845-C-T.
Other names: c.2040+19C>T (LRG_673t1, NM_001079803.3, NM_001079804.3).
Identifiers: ClinVar variation 509457 (VCV000509457.2), dbSNP rs559131285, ClinGen allele CA8815574.